The following is an entry in ClinVar:

ClinVar aggregate classification (germline): Uncertain significance (1 of 4 stars; one submission).

Conditions:
Neurofibromatosis, type 1 (NF1). Also called: NEUROFIBROMATOSIS, TYPE I, SOMATIC; VON RECKLINGHAUSEN DISEASE; Peripheral type neurofibromatosis; Neurofibromatosis, type I. Identifiers: Orphanet 636, MedGen C0027831, MONDO:0018975, OMIM 162200. Disease mechanism: loss of function.

Submission:

Labcorp Genetics (formerly Invitae), Labcorp
Classification: Uncertain significance for Neurofibromatosis, type 1. Last evaluated: 2025-09-20. Review status: criteria provided, single submitter. Criteria: Invitae Variant Classification Sherloc (09022015). Collection method: clinical testing. Allele origin: germline.
Comment: This sequence change replaces proline, which is neutral and non-polar, with isoleucine, which is neutral and non-polar, at codon 678 of the NF1 protein (p.Pro678Ile). Information on the frequency of this variant in the gnomAD database is not available, as this variant may be reported differently in the database. This variant has not been reported in the literature in individuals affected with NF1-related conditions. An algorithm developed to predict the effect of missense changes on protein structure and function (PolyPhen-2) suggests that this variant is likely to be tolerated. In summary, the available evidence is currently insufficient to determine the role of this variant in disease. Therefore, it has been classified as a Variant of Uncertain Significance.

NM_001042492.3(NF1):c.2032_2034delinsATA (p.Pro678Ile)

Gene: NF1 (neurofibromin 1; plus strand). Cytogenetic location: 17q11.2.
Variant type: Indel.
Coding change: c.2032_2034delinsATA on transcript NM_001042492.3 (MANE Select); coding-DNA positions 2032 to 2034, CCG replaced by ATA.
Protein change: p.Pro678Ile; replaces proline 678 with isoleucine.
Molecular consequence: missense variant.
Genome position (GRCh38, 1-based): chr17:31,226,465-31,226,467, CCG replaced by ATA. VCF-style: chr17-31226465-CCG-ATA. GRCh37 (hg19) VCF-style: chr17-29553483-CCG-ATA.
Other names: c.2032_2034delinsATA, p.Pro678Ile (NM_000267.4); short protein forms P678I.
Identifiers: ClinVar variation 4727510 (VCV004727510.1).